The following is an entry in ClinVar:

ClinVar aggregate classification (germline): Benign. Review status: criteria provided, multiple submitters, no conflicts (2 of 4 stars). 11 submissions from 11 submitters: Benign (8). 3 of the submissions do not count toward it. Last evaluated 2026-01-31.

Conditions:
Adenylosuccinate lyase deficiency (ADSLD). Also called: ADSL DEFICIENCY. Identifiers: Orphanet 46, MedGen C0268126, MONDO:0007068, OMIM 103050.

Allele frequency attached by ClinVar (database versions not stated): gnomAD exomes 0.00337; ExAC 0.00409; gnomAD 0.01319 and 0.01397; TOPMed 0.01514; ESP Exome Variant Server 0.01553; 1000 Genomes Project 0.01617; 1000 Genomes Project 30x 0.01858.
gnomAD v4.1: 3,953 of 1,614,214 alleles (0.24%); highest among the groups gnomAD compares: African/African-American, 4.6%; 79 homozygotes.

Submissions (11):

Labcorp Genetics (formerly Invitae), Labcorp
Classification: Benign for Adenylosuccinate lyase deficiency. Last evaluated: 2026-01-31. Review status: criteria provided, single submitter. Criteria: Invitae Variant Classification Sherloc (09022015). Collection method: clinical testing. Allele origin: germline.

Mayo Clinic Laboratories, Mayo Clinic
Classification: Benign. Last evaluated: 2018-07-31. Review status: criteria provided, single submitter. Criteria: ACMG Guidelines, 2015. Collection method: clinical testing. Allele origin: germline. Observed: 8 variant alleles.

Athena Diagnostics
Classification: Benign. Last evaluated: 2018-04-11. Review status: criteria provided, single submitter. Criteria: Athena Diagnostics Criteria. Collection method: clinical testing. Allele origin: germline.

Illumina Laboratory Services, Illumina
Classification: Benign for Adenylosuccinate lyase deficiency. Last evaluated: 2018-01-12. Review status: criteria provided, single submitter. Criteria: ICSL Variant Classification Criteria 13 December 2019. Collection method: clinical testing. Allele origin: germline.
Comment: This variant was observed in the ICSL laboratory as part of a predisposition screen in an ostensibly healthy population. It had not been previously curated by ICSL or reported in the Human Gene Mutation Database (HGMD: prior to June 1st, 2018), and was therefore a candidate for classification through an automated scoring system. Utilizing variant allele frequency, disease prevalence and penetrance estimates, and inheritance mode, an automated score was calculated to assess if this variant is too frequent to cause the disease. Based on the score and internal cut-off values, a variant classified as benign is not then subjected to further curation. The score for this variant resulted in a classification of benign for this disease.

Center for Pediatric Genomic Medicine, Children's Mercy Hospital and Clinics
Classification: Benign. Last evaluated: 2017-01-13. Review status: criteria provided, single submitter. Criteria: ACMG Guidelines, 2015. Collection method: clinical testing. Allele origin: germline.

GeneDx
Classification: Benign. Last evaluated: 2012-10-18. Review status: criteria provided, single submitter. Criteria: GeneDx Variant Classification (06012015). Collection method: clinical testing. Allele origin: germline. Affected: yes.
Comment: This variant is considered likely benign or benign based on one or more of the following criteria: it is a conservative change, it occurs at a poorly conserved position in the protein, it is predicted to be benign by multiple in silico algorithms, and/or has population frequency not consistent with disease.

Breakthrough Genomics
Classification: Benign. Review status: criteria provided, single submitter. Criteria: ACMG Guidelines, 2015. Collection method: not provided. Allele origin: germline. Inheritance: Autosomal recessive inheritance. Affected: yes.

PreventionGenetics, part of Exact Sciences
Classification: Benign. Review status: criteria provided, single submitter. Criteria: ACMG Guidelines, 2015. Collection method: clinical testing. Allele origin: germline.

Clinical Genetics, Academic Medical Center
Classification: Benign. Review status: no assertion criteria provided. Collection method: clinical testing. Allele origin: germline. Affected: yes. Study: VKGL Data-share Consensus. Not counted in ClinVar's aggregate classification.

Genetic Services Laboratory, University of Chicago
Classification: Likely benign for AllHighlyPenetrant. Review status: no assertion criteria provided. Collection method: clinical testing. Allele origin: germline. Inheritance: Autosomal recessive inheritance. Not counted in ClinVar's aggregate classification.
Comment: Likely benign based on allele frequency in 1000 Genomes Project or ESP global frequency and its presence in a patient with a rare or unrelated disease phenotype. NOT Sanger confirmed.

Genome Diagnostics Laboratory, University Medical Center Utrecht
Classification: Likely benign. Review status: no assertion criteria provided. Collection method: clinical testing. Allele origin: germline. Affected: yes. Study: VKGL Data-share Consensus. Not counted in ClinVar's aggregate classification.

NM_000026.4(ADSL):c.440A>T (p.Lys147Met)

Gene: ADSL (adenylosuccinate lyase; plus strand). Cytogenetic location: 22q13.1.
Variant type: single nucleotide variant.
Coding change: c.440A>T on transcript NM_000026.4 (MANE Select); coding-DNA position 440, A replaced by T.
Protein change: p.Lys147Met; replaces lysine 147 with methionine.
Molecular consequence: missense variant. On other transcripts: non-coding transcript variant (1).
Genome position (GRCh38, 1-based): chr22:40,354,285, A>T. VCF-style: chr22-40354285-A-T. GRCh37 (hg19) VCF-style: chr22-40750289-A-T.
Other names: p.K147M:AAG>ATG; c.440A>T, p.Lys147Met (NM_001123378.3, NM_001363840.3); c.248A>T, p.Lys83Met (NM_001317923.2); short protein forms K147M, K83M.
Identifiers: ClinVar variation 128278 (VCV000128278.25), dbSNP rs11089991, ClinGen allele CA288669.